The following is an entry in ClinVar:

NM_001277115.2(DNAH11):c.4405G>A (p.Ala1469Thr)

Gene: DNAH11 (dynein axonemal heavy chain 11; plus strand). Cytogenetic location: 7p15.3.
Variant type: single nucleotide variant.
Coding change: c.4405G>A on transcript NM_001277115.2 (MANE Select); coding-DNA position 4405, G replaced by A.
Protein change: p.Ala1469Thr; replaces alanine 1469 with threonine.
Molecular consequence: missense variant.
Genome position (GRCh38, 1-based): chr7:21,619,983, G>A. VCF-style: chr7-21619983-G-A. GRCh37 (hg19) VCF-style: chr7-21659601-G-A.
Other names: c.4420G>A, p.Ala1474Thr (NM_003777.3); short protein forms A1474T, A1469T.
Identifiers: ClinVar variation 1930463 (VCV001930463.5), dbSNP rs2534711080, ClinGen allele CA366952866.
Genomic context (GRCh38, chr7:21,619,983, plus strand): 5'-TTTGTGCACATTAATTATATTGTTGATTACTAGGTTATTACTGAAATCAGTCAGACCTGG[G>A]CAACCATGAAGTTTTCTTACGAAGTTCACTATCGAACAGGCATTCCATTACTAAAGTCTG-3'
Protein context (NP_001264044.1, residues 1459-1479): KVITEISQTW[Ala1469Thr]TMKFSYEVHY

ClinVar aggregate classification (germline): Uncertain significance (1 of 4 stars; one submission).

Conditions:
Primary ciliary dyskinesia. Also called: Ciliary dyskinesia. Identifiers: Orphanet 244, MedGen C0008780, MONDO:0016575, HP:0012265.

Submission:

Labcorp Genetics (formerly Invitae), Labcorp
Classification: Uncertain significance for Primary ciliary dyskinesia. Last evaluated: 2022-11-08. Review status: criteria provided, single submitter. Criteria: Invitae Variant Classification Sherloc (09022015). Collection method: clinical testing. Allele origin: germline.
Comment: In summary, the available evidence is currently insufficient to determine the role of this variant in disease. Therefore, it has been classified as a Variant of Uncertain Significance. Advanced modeling of protein sequence and biophysical properties (such as structural, functional, and spatial information, amino acid conservation, physicochemical variation, residue mobility, and thermodynamic stability) performed at Invitae indicates that this missense variant is not expected to disrupt DNAH11 protein function. This variant has not been reported in the literature in individuals affected with DNAH11-related conditions. This variant is not present in population databases (gnomAD no frequency). This sequence change replaces alanine, which is neutral and non-polar, with threonine, which is neutral and polar, at codon 1469 of the DNAH11 protein (p.Ala1469Thr).